The following is an entry in ClinVar:

NM_130847.3(AMOTL1):c.2620G>T (p.Asp874Tyr)

Gene: AMOTL1 (angiomotin like 1; plus strand). Cytogenetic location: 11q21.
Variant type: single nucleotide variant.
Coding change: c.2620G>T on transcript NM_130847.3 (MANE Select); coding-DNA position 2620, G replaced by T.
Protein change: p.Asp874Tyr; replaces aspartic acid 874 with tyrosine.
Molecular consequence: missense variant.
Genome position (GRCh38, 1-based): chr11:94,869,329, G>T. VCF-style: chr11-94869329-G-T. GRCh37 (hg19) VCF-style: chr11-94602494-G-T.
Other names: c.2470G>T, p.Asp824Tyr (NM_001301007.2); short protein forms D824Y, D874Y.
Identifiers: ClinVar variation 5019289 (VCV005019289.2).

ClinVar aggregate classification (germline): Uncertain significance (1 of 4 stars; one submission).

Conditions:
Craniofaciocardiohepatic syndrome. Identifiers: MedGen C6012720, MONDO:0978295, OMIM 621192.

Submission:

Juno Genomics, Hangzhou Juno Genomics, Inc
Classification: Uncertain significance for Craniofaciocardiohepatic syndrome. Review status: criteria provided, single submitter. Criteria: ACMG Guidelines, 2015. Collection method: clinical testing. Allele origin: germline.
Comment: Absent from controls (or at extremely low frequency if recessive) in Genome Aggregation Database.;Multiple lines of computational evidence support a deleterious effect on the gene or gene product.